The following is an entry in ClinVar:

NM_020937.4(FANCM):c.2385T>G (p.Ile795Met)

Gene: FANCM (FA complementation group M; plus strand). Cytogenetic location: 14q21.2.
Variant type: single nucleotide variant.
Coding change: c.2385T>G on transcript NM_020937.4 (MANE Select); coding-DNA position 2385, T replaced by G.
Protein change: p.Ile795Met; replaces isoleucine 795 with methionine.
Molecular consequence: missense variant.
Genome position (GRCh38, 1-based): chr14:45,175,139, T>G. VCF-style: chr14-45175139-T-G. GRCh37 (hg19) VCF-style: chr14-45644342-T-G.
Other names: c.2385T>G (NM_020937.3); c.2307T>G, p.Ile769Met (NM_001308133.2); short protein forms I769M, I795M.
Identifiers: ClinVar variation 847556 (VCV000847556.14), dbSNP rs769468991, ClinGen allele CA7169347.

ClinVar aggregate classification (germline): Uncertain significance. Review status: criteria provided, multiple submitters, no conflicts (2 of 4 stars). 5 submissions from 5 submitters: Uncertain significance (5). Last evaluated 2026-08-31.

Conditions:
Spermatogenic failure 28. Identifiers: MedGen C4748117, MONDO:0054732, OMIM 618086.
Premature ovarian failure 15. Identifiers: MedGen C4748170, MONDO:0054862, OMIM 618096.
Fanconi anemia (FA). Also called: Fanconi's anemia. Identifiers: Orphanet 84, MedGen C0015625, MeSH D005199, MONDO:0019391.
Inborn genetic diseases. Identifiers: MedGen C0950123, MeSH D030342.

Allele frequency attached by ClinVar (database versions not stated): gnomAD 0.00001; gnomAD exomes 0.00002 and 0.00008; TOPMed 0.00003; ExAC 0.00007.
gnomAD v4.1: 23 of 1,612,116 alleles (0.0014%); highest among the groups gnomAD compares: Admixed American, 0.038%; no homozygotes.

Submissions (5):

GeneDx
Classification: Uncertain significance. Last evaluated: 2026-08-31. Review status: criteria provided, single submitter. Criteria: GeneDx Variant Classification Process June 2021. Collection method: clinical testing. Allele origin: germline.
Comment: In silico analysis suggests that this missense variant does not alter protein structure/function; Has not been previously published as pathogenic or benign to our knowledge

Labcorp Genetics (formerly Invitae), Labcorp
Classification: Uncertain significance for Fanconi anemia. Last evaluated: 2026-02-01. Review status: criteria provided, single submitter. Criteria: Invitae Variant Classification Sherloc (09022015). Collection method: clinical testing. Allele origin: germline.
Comment: This sequence change replaces isoleucine, which is neutral and non-polar, with methionine, which is neutral and non-polar, at codon 795 of the FANCM protein (p.Ile795Met). This variant is present in population databases (rs769468991, gnomAD 0.06%). This variant has not been reported in the literature in individuals affected with FANCM-related conditions. ClinVar contains an entry for this variant (Variation ID: 847556). An algorithm developed to predict the effect of missense changes on protein structure and function (PolyPhen-2) suggests that this variant is likely to be tolerated. In summary, the available evidence is currently insufficient to determine the role of this variant in disease. Therefore, it has been classified as a Variant of Uncertain Significance.

Quest Diagnostics Nichols Institute San Juan Capistrano
Classification: Uncertain significance. Last evaluated: 2025-02-07. Review status: criteria provided, single submitter. Criteria: Quest Diagnostics criteria. Collection method: clinical testing. Allele origin: unknown.
Comment: The FANCM c.2385T>G (p.Ile795Met) variant has not been reported in the published literature. The frequency of this variant in the general population, 0.00061 (21/34372 chromosomes), is uninformative in assessment of its pathogenicity. Analysis of this variant using bioinformatics tools for the prediction of the effect of amino acid changes on protein structure and function yielded predictions that this variant is benign. Based on the available information, we are unable to determine the clinical significance of this variant.

Ambry Genetics
Classification: Uncertain significance for Inborn genetic diseases. Last evaluated: 2024-11-18. Review status: criteria provided, single submitter. Criteria: Ambry Variant Classification Scheme 2023. Collection method: clinical testing. Allele origin: germline.
Comment: The p.I795M variant (also known as c.2385T>G), located in coding exon 14 of the FANCM gene, results from a T to G substitution at nucleotide position 2385. The isoleucine at codon 795 is replaced by methionine, an amino acid with highly similar properties. This amino acid position is conserved. In addition, this alteration is predicted to be tolerated by in silico analysis. Based on the available evidence, the clinical significance of this variant remains unclear.

Fulgent Genetics
Classification: Uncertain significance for Spermatogenic failure 28; Premature ovarian failure 15. Last evaluated: 2022-04-22. Review status: criteria provided, single submitter. Criteria: ACMG Guidelines, 2015. Collection method: clinical testing. Allele origin: unknown.